The following is an entry in ClinVar:

NM_003072.5(SMARCA4):c.665C>T (p.Pro222Leu)

Gene: SMARCA4 (SWI/SNF related BAF chromatin remodeling complex subunit ATPase 4; plus strand). Cytogenetic location: 19p13.2.
Variant type: single nucleotide variant.
Coding change: c.665C>T on transcript NM_003072.5 (MANE Select); coding-DNA position 665, C replaced by T.
Protein change: p.Pro222Leu; replaces proline 222 with leucine.
Molecular consequence: missense variant. On other transcripts: non-coding transcript variant (1).
Genome position (GRCh38, 1-based): chr19:10,986,498, C>T. VCF-style: chr19-10986498-C-T. GRCh37 (hg19) VCF-style: chr19-11097174-C-T.
Other names: c.665C>T, p.Pro222Leu (NM_001128844.3, NM_001128845.2, NM_001128846.2 and 5 more transcripts); short protein forms P222L.
Identifiers: ClinVar variation 238508 (VCV000238508.23), dbSNP rs533671711, ClinGen allele CA9203540.

ClinVar aggregate classification (germline): Conflicting classifications of pathogenicity. Review status: criteria provided, conflicting classifications (1 of 4 stars). 8 submissions from 8 submitters: Uncertain significance (3); Benign (1); Likely benign (3). 1 of the submissions does not count toward it. Last evaluated 2026-01-18.

Conditions:
SMARCA4-related disorder. Also called: SMARCA4-related condition.
Coffin-Siris syndrome. Identifiers: Orphanet 1465, MedGen C0265338, MONDO:0015452.
Hereditary cancer-predisposing syndrome. Also called: Neoplastic Syndromes, Hereditary; Hereditary Cancer Syndrome; Tumor predisposition; Hereditary neoplastic syndrome. Identifiers: Orphanet 140162, MedGen C0027672, MeSH D009386, MONDO:0015356.
Intellectual disability, autosomal dominant 16 (CSS4). Also called: COFFIN-SIRIS SYNDROME 4. Identifiers: Orphanet 1465, MedGen C3553249, MONDO:0013821, OMIM 614609.
Rhabdoid tumor predisposition syndrome 2 (RTPS2). Identifiers: Orphanet 231108, Orphanet 69077, MedGen C2750074, MONDO:0013224, OMIM 613325.

Allele frequency attached by ClinVar (database versions not stated): ExAC below 0.00001; gnomAD 0.00001 and 0.00003; TOPMed 0.00003; gnomAD exomes 0.00007; 1000 Genomes Project 30x 0.00031; 1000 Genomes Project 0.00040.
gnomAD v4.1: 23 of 1,548,088 alleles (0.0015%); highest among the groups gnomAD compares: East Asian, 0.051%; no homozygotes.

Submissions (8):

Labcorp Genetics (formerly Invitae), Labcorp
Classification: Uncertain significance for Rhabdoid tumor predisposition syndrome 2. Last evaluated: 2026-01-18. Review status: criteria provided, single submitter. Criteria: Invitae Variant Classification Sherloc (09022015). Collection method: clinical testing. Allele origin: germline.
Comment: This sequence change replaces proline, which is neutral and non-polar, with leucine, which is neutral and non-polar, at codon 222 of the SMARCA4 protein (p.Pro222Leu). This variant is present in population databases (rs533671711, gnomAD 0.07%), and has an allele count higher than expected for a pathogenic variant. This missense change has been observed in individual(s) with prostate cancer (PMID: 27701467). ClinVar contains an entry for this variant (Variation ID: 238508). Invitae Evidence Modeling of protein sequence and biophysical properties (such as structural, functional, and spatial information, amino acid conservation, physicochemical variation, residue mobility, and thermodynamic stability) has been performed for this missense variant. However, the output from this modeling did not meet the statistical confidence thresholds required to predict the impact of this variant on SMARCA4 protein function. In summary, the available evidence is currently insufficient to determine the role of this variant in disease. Therefore, it has been classified as a Variant of Uncertain Significance.

ARUP Laboratories, Molecular Genetics and Genomics, ARUP Laboratories
Classification: Uncertain significance. Last evaluated: 2025-01-03. Review status: criteria provided, single submitter. Criteria: ARUP Molecular Germline Variant Investigation Process 2024. Collection method: clinical testing. Allele origin: germline.
Comment: The SMARCA4 c.665C>T; p.Pro222Leu variant (rs533671711, ClinVar Variation ID: 238508) is reported in the literature in individuals affected with prostate cancer, renal cell carcinoma, and leprosy risk (Hayano 2016, Singh 2021, ); though additional evidence of causality was not presented. This variant is found in the East Asian population with an allele frequency of 0.08% (9/ 11110 alleles) in the Genome Aggregation Database (v2.1.1). Computational analyses are uncertain whether this variant is neutral or deleterious (REVEL: 0.481). Due to limited information, the clinical significance of this variant is uncertain at this time. References: Hayano T et al. Germline Variants of Prostate Cancer in Japanese Families. PLoS One. 2016 Oct 4;11(10):e0164233. PMID: 27701467 Singh M et al. Integrase Interactor 1 (INI-1) Deficient Renal Cell Carcinoma. Cureus. 2021 Feb 2;13(2):e13082 PMID: 33680622 Xing Y et al. Polymorphisms in mitochondrial ribosomal protein S5 (MRPS5) are associated with leprosy risk in Chinese. PLoS Negl Trop Dis. 2020 Dec 23;14(12):e0008883 PMID: 33362202

Blueprint Genetics
Classification: Likely benign. Last evaluated: 2024-03-06. Review status: criteria provided, single submitter. Criteria: ACMG Guidelines, 2015. Collection method: clinical testing. Allele origin: germline.

Baylor Genetics
Classification: Uncertain significance for Rhabdoid tumor predisposition syndrome 2. Last evaluated: 2023-11-27. Review status: criteria provided, single submitter. Criteria: ACMG Guidelines, 2015. Collection method: clinical testing. Allele origin: unknown.

Ambry Genetics
Classification: Likely benign for Hereditary cancer-predisposing syndrome. Last evaluated: 2021-08-11. Review status: criteria provided, single submitter. Criteria: Ambry Variant Classification Scheme 2023. Collection method: clinical testing. Allele origin: germline.

Genome-Nilou Lab
Classification: Likely benign for Intellectual disability, autosomal dominant 16. Last evaluated: 2021-07-15. Review status: criteria provided, single submitter. Criteria: ACMG Guidelines, 2015. Collection method: clinical testing. Allele origin: germline. Affected: no.

Illumina Laboratory Services, Illumina
Classification: Benign for Coffin-Siris syndrome. Last evaluated: 2018-01-13. Review status: criteria provided, single submitter. Criteria: ICSL Variant Classification Criteria 13 December 2019. Collection method: clinical testing. Allele origin: germline.
Comment: This variant was observed in the ICSL laboratory as part of a predisposition screen in an ostensibly healthy population. It had not been previously curated by ICSL or reported in the Human Gene Mutation Database (HGMD: prior to June 1st, 2018), and was therefore a candidate for classification through an automated scoring system. Utilizing variant allele frequency, disease prevalence and penetrance estimates, and inheritance mode, an automated score was calculated to assess if this variant is too frequent to cause the disease. Based on the score and internal cut-off values, a variant classified as benign is not then subjected to further curation. The score for this variant resulted in a classification of benign for this disease.

PreventionGenetics, part of Exact Sciences
Classification: Uncertain significance for SMARCA4-related condition. Last evaluated: 2024-05-14. Review status: no assertion criteria provided. Collection method: clinical testing. Allele origin: germline. Not counted in ClinVar's aggregate classification.
Comment: The SMARCA4 c.665C>T variant is predicted to result in the amino acid substitution p.Pro222Leu. This variant was reported in an individual with prostate cancer (Table S5, Hayano et al. 2016. PubMed ID: 27701467). This variant is reported in 0.081% of alleles in individuals of East Asian descent in gnomAD. At this time, the clinical significance of this variant is uncertain due to the absence of conclusive functional and genetic evidence.

Literature cited by the submitters: PubMed 27701467 (cited by Labcorp Genetics (formerly Invitae), Labcorp); PubMed 33680622 (cited by Ambry Genetics).